The following is an entry in ClinVar:

NM_001267550.2(TTN):c.40939A>G (p.Lys13647Glu)

Gene: TTN (titin; minus strand). Cytogenetic location: 2q31.2.
Variant type: single nucleotide variant.
Coding change: c.40939A>G on transcript NM_001267550.2 (MANE Select); coding-DNA position 40939, A replaced by G.
Protein change: p.Lys13647Glu; replaces lysine 13647 with glutamic acid.
Molecular consequence: missense variant.
Genome position (GRCh38, 1-based): chr2:178,636,788, T>C on the plus strand (A>G on the coding strand, the complement: TTN is on the minus strand). VCF-style: chr2-178636788-T-C. GRCh37 (hg19) VCF-style: chr2-179501515-T-C.
Other names: c.36016A>G, p.Lys12006Glu (NM_001256850.1); c.13744A>G, p.Lys4582Glu (NM_003319.4); c.33235A>G, p.Lys11079Glu (NM_133378.4); c.14119A>G, p.Lys4707Glu (NM_133432.3); c.14320A>G, p.Lys4774Glu (NM_133437.4); short protein forms K12006E, K13647E, K11079E, K4707E, K4582E, K4774E.
Identifiers: ClinVar variation 515841 (VCV000515841.13), dbSNP rs777187629, ClinGen allele CA1996336.

ClinVar aggregate classification (germline): Conflicting classifications of pathogenicity. Review status: criteria provided, conflicting classifications (1 of 4 stars). 5 submissions from 5 submitters: Uncertain significance (3); Likely benign (2). Last evaluated 2024-05-05.

Conditions:
Cardiovascular phenotype. Identifiers: MedGen CN230736.

Allele frequency attached by ClinVar (database versions not stated): ExAC 0.00001; gnomAD 0.00001; TOPMed 0.00001; gnomAD exomes 0.00002 and 0.00006.
gnomAD v4.1: 87 of 1,592,922 alleles (0.0055%); highest among the groups gnomAD compares: Non-Finnish European, 0.007%; no homozygotes.

Submissions (5):

Revvity Omics, Revvity
Classification: Uncertain significance. Last evaluated: 2024-05-05. Review status: criteria provided, single submitter. Criteria: ACMG Guidelines, 2015. Collection method: clinical testing. Allele origin: germline.

Blueprint Genetics
Classification: Likely benign. Last evaluated: 2022-10-03. Review status: criteria provided, single submitter. Criteria: ACMG Guidelines, 2015. Collection method: clinical testing. Allele origin: germline.

Mayo Clinic Laboratories, Mayo Clinic
Classification: Uncertain significance. Last evaluated: 2020-04-15. Review status: criteria provided, single submitter. Criteria: ACMG Guidelines, 2015. Collection method: clinical testing. Allele origin: germline.

Ambry Genetics
Classification: Uncertain significance for Cardiovascular phenotype. Last evaluated: 2020-01-08. Review status: criteria provided, single submitter. Criteria: Ambry Variant Classification Scheme 2023. Collection method: clinical testing. Allele origin: germline.
Comment: The p.K4582E variant (also known as c.13744A>G), located in coding exon 52 of the TTN gene, results from an A to G substitution at nucleotide position 13744. The lysine at codon 4582 is replaced by glutamic acid, an amino acid with similar properties. This amino acid position is well conserved in available vertebrate species. In addition, this alteration is predicted to be tolerated by in silico analysis. Since supporting evidence is limited at this time, the clinical significance of this alteration remains unclear.

GeneDx
Classification: Likely benign. Last evaluated: 2018-03-01. Review status: criteria provided, single submitter. Criteria: GeneDx Variant Classification (06012015). Collection method: clinical testing. Allele origin: germline. Affected: yes.
Comment: This variant is considered likely benign or benign based on one or more of the following criteria: it is a conservative change, it occurs at a poorly conserved position in the protein, it is predicted to be benign by multiple in silico algorithms, and/or has population frequency not consistent with disease.